The following is an entry in ClinVar:

NM_006767.4(LZTR1):c.736C>A (p.Gln246Lys)

Gene: LZTR1 (leucine zipper like post translational regulator 1; plus strand). Cytogenetic location: 22q11.21.
Variant type: single nucleotide variant.
Coding change: c.736C>A on transcript NM_006767.4 (MANE Select); coding-DNA position 736, C replaced by A.
Protein change: p.Gln246Lys; replaces glutamine 246 with lysine.
Molecular consequence: missense variant.
Genome position (GRCh38, 1-based): chr22:20,990,470, C>A. VCF-style: chr22-20990470-C-A. GRCh37 (hg19) VCF-style: chr22-21344759-C-A.
Other names: c.736C>A (NM_006767.3); short protein forms Q246K.
Identifiers: ClinVar variation 3643884 (VCV003643884.3).

ClinVar aggregate classification (germline): Uncertain significance. Review status: criteria provided, multiple submitters, no conflicts (2 of 4 stars). 2 submissions from 2 submitters: Uncertain significance (2). Last evaluated 2025-02-10.

Conditions:
LZTR1-related disorder. Also called: LZTR1-related disorders; LZTR1-related condition.

Submissions (2):

PreventionGenetics, part of Exact Sciences
Classification: Uncertain significance for LZTR1-related condition. Last evaluated: 2025-02-10. Review status: criteria provided, single submitter. Criteria: ACMG Guidelines, 2015. Collection method: clinical testing. Allele origin: germline.
Comment: The LZTR1 c.736C>A variant is predicted to result in the amino acid substitution p.Gln246Lys. To our knowledge, this variant has not been reported in the literature or in a large population database (gnomAD), indicating this variant is rare. At this time, the clinical significance of this variant is uncertain due to the absence of conclusive functional and genetic evidence.

Labcorp Genetics (formerly Invitae), Labcorp
Classification: Uncertain significance. Last evaluated: 2024-11-28. Review status: criteria provided, single submitter. Criteria: Invitae Variant Classification Sherloc (09022015). Collection method: clinical testing. Allele origin: germline.
Comment: This sequence change replaces glutamine, which is neutral and polar, with lysine, which is basic and polar, at codon 246 of the LZTR1 protein (p.Gln246Lys). This variant is not present in population databases (gnomAD no frequency). This variant has not been reported in the literature in individuals affected with LZTR1-related conditions. Invitae Evidence Modeling of protein sequence and biophysical properties (such as structural, functional, and spatial information, amino acid conservation, physicochemical variation, residue mobility, and thermodynamic stability) indicates that this missense variant is not expected to disrupt LZTR1 protein function with a negative predictive value of 80%. In summary, the available evidence is currently insufficient to determine the role of this variant in disease. Therefore, it has been classified as a Variant of Uncertain Significance.